The following is an entry in ClinVar:

ClinVar aggregate classification (germline): Uncertain significance (1 of 4 stars; one submission).

Submission:

ISCA site 17
Classification: Uncertain significance. Last evaluated: 2011-08-12. Review status: criteria provided, single submitter. Criteria: Kaminsky et al. (Genet Med. 2011). Collection method: clinical testing. Allele origin: de novo. Affected: yes. Observed: 1 variant allele.
Comment: Copy number variation identified through the course of routine clinical cytogenomic testing in postnatal populations. Clinical assertions have been curated as described in Kaminsky et al. 2011.

GRCh38/hg38 13q31.3(chr13:90215412-91366486)x1

Genes: LINC00379 (long intergenic non-protein coding RNA 379; minus strand), LINC00380 (long intergenic non-protein coding RNA 380; minus strand), LINC00410 (long intergenic non-protein coding RNA 410; minus strand), LINC01049 (long intergenic non-protein coding RNA 1049; plus strand), MIR17 (microRNA 17; plus strand) and 12 more. Cytogenetic location: 13q31.3.
Variant type: copy number loss.
Change: copy number 1 (one copy instead of two) of chr13:90,215,412-91,366,486 (1.15 Mb, GRCh38 coordinates, 1-based), cytogenetic band 13q31.3.
Identifiers: ClinVar variation 58174 (VCV000058174.1).